The following is an entry in ClinVar:

ClinVar aggregate classification (germline): Uncertain significance. Review status: criteria provided, multiple submitters, no conflicts (2 of 4 stars). 2 submissions from 2 submitters: Uncertain significance (2). Last evaluated 2021-11-23.

Conditions:
Eculizumab, poor response to. Identifiers: MedGen C3810402, OMIM 615749.
Complement component 5 deficiency. Also called: C5 DEFICIENCY. Identifiers: MedGen C0343047, MONDO:0012295, OMIM 609536.

Allele frequency attached by ClinVar (database versions not stated): gnomAD exomes 0.00001; TOPMed 0.00003; gnomAD 0.00004.
gnomAD v4.1: 16 of 1,612,608 alleles (0.00099%); highest among the groups gnomAD compares: African/African-American, 0.0053%; no homozygotes.

Submissions (2):

Fulgent Genetics
Classification: Uncertain significance for Complement component 5 deficiency; Eculizumab, poor response to. Last evaluated: 2021-11-23. Review status: criteria provided, single submitter. Criteria: ACMG Guidelines, 2015. Collection method: clinical testing. Allele origin: unknown.

Labcorp Genetics (formerly Invitae), Labcorp
Classification: Uncertain significance. Last evaluated: 2021-10-21. Review status: criteria provided, single submitter. Criteria: Invitae Variant Classification Sherloc (09022015). Collection method: clinical testing. Allele origin: germline.
Comment: This sequence change replaces isoleucine with threonine at codon 39 of the C5 protein (p.Ile39Thr). The isoleucine residue is weakly conserved and there is a moderate physicochemical difference between isoleucine and threonine. This variant is not present in population databases (ExAC no frequency). This variant has not been reported in the literature in individuals affected with C5-related conditions. Algorithms developed to predict the effect of missense changes on protein structure and function are either unavailable or do not agree on the potential impact of this missense change (SIFT: "Deleterious"; PolyPhen-2: "Benign"; Align-GVGD: "Class C0"). In summary, the available evidence is currently insufficient to determine the role of this variant in disease. Therefore, it has been classified as a Variant of Uncertain Significance.

NM_001735.3(C5):c.116T>C (p.Ile39Thr)

Gene: C5 (complement C5; minus strand). Cytogenetic location: 9q33.2.
Variant type: single nucleotide variant.
Coding change: c.116T>C on transcript NM_001735.3 (MANE Select); coding-DNA position 116, T replaced by C.
Protein change: p.Ile39Thr; replaces isoleucine 39 with threonine.
Molecular consequence: missense variant.
Genome position (GRCh38, 1-based): chr9:121,046,333, A>G on the plus strand (T>C on the coding strand, the complement: C5 is on the minus strand). VCF-style: chr9-121046333-A-G. GRCh37 (hg19) VCF-style: chr9-123808611-A-G.
Other names: c.134T>C, p.Ile45Thr (NM_001317163.2); c.116T>C, p.Ile39Thr (NM_001317164.2); short protein forms I45T, I39T.
Identifiers: ClinVar variation 1404131 (VCV001404131.7), dbSNP rs1228951703, ClinGen allele CA374732968.
Genomic context (GRCh38, chr9:121,046,333, plus strand): 5'-TAACTTTTAATAGAGATTGTTGCATCAAATGCTTCAGTGTATCCATAAACTTGAATCACA[A>G]TATTTTCAGATGCTCCAACACGGAATATTTTTGGTGCTGAAATGACATATCTGTTGAAAA-3'
Protein context (NP_001726.2, residues 29-49): KIFRVGASEN[Ile39Thr]VIQVYGYTEA